The following is an entry in ClinVar:

ClinVar aggregate classification (germline): Uncertain significance (1 of 4 stars; one submission).

Conditions:
Cardiovascular phenotype. Identifiers: MedGen CN230736.

gnomAD v4.1: 12 of 1,614,062 alleles (0.00074%); highest among the groups gnomAD compares: Non-Finnish European, 0.00093%; no homozygotes.

Submission:

Ambry Genetics
Classification: Uncertain significance for Cardiovascular phenotype. Last evaluated: 2024-08-31. Review status: criteria provided, single submitter. Criteria: Ambry Variant Classification Scheme 2023. Collection method: clinical testing. Allele origin: germline.
Comment: The p.G1153E variant (also known as c.3458G>A), located in coding exon 16 of the MYPN gene, results from a G to A substitution at nucleotide position 3458. The glycine at codon 1153 is replaced by glutamic acid, an amino acid with similar properties. This amino acid position is conserved. In addition, this alteration is predicted to be deleterious by in silico analysis. Based on the available evidence, the clinical significance of this variant remains unclear.

NM_032578.4(MYPN):c.3458G>A (p.Gly1153Glu)

Gene: MYPN (myopalladin; plus strand). Cytogenetic location: 10q21.3.
Variant type: single nucleotide variant.
Coding change: c.3458G>A on transcript NM_032578.4 (MANE Select); coding-DNA position 3458, G replaced by A.
Protein change: p.Gly1153Glu; replaces glycine 1153 with glutamic acid.
Molecular consequence: missense variant. On other transcripts: non-coding transcript variant (2).
Genome position (GRCh38, 1-based): chr10:68,199,540, G>A. VCF-style: chr10-68199540-G-A. GRCh37 (hg19) VCF-style: chr10-69959297-G-A.
Other names: c.3458G>A, p.Gly1153Glu (NM_001256267.2); c.2576G>A, p.Gly859Glu (NM_001256268.2); short protein forms G1153E, G859E.
Identifiers: ClinVar variation 3402037 (VCV003402037.1).